The following is an entry in ClinVar:

ClinVar aggregate classification (germline): Uncertain significance. Review status: criteria provided, multiple submitters, no conflicts (2 of 4 stars). 2 submissions from 2 submitters: Uncertain significance (2). Last evaluated 2025-08-05.

Allele frequency attached by ClinVar (database versions not stated): gnomAD exomes 0.00001; TOPMed 0.00001; gnomAD 0.00002.
gnomAD v4.1: 16 of 1,511,790 alleles (0.0011%); highest among the groups gnomAD compares: African/African-American, 0.0043%; no homozygotes.

Submissions (2):

Ambry Genetics
Classification: Uncertain significance. Last evaluated: 2025-08-05. Review status: criteria provided, single submitter. Criteria: Ambry Variant Classification Scheme 2023. Collection method: clinical testing. Allele origin: germline.

Labcorp Genetics (formerly Invitae), Labcorp
Classification: Uncertain significance. Last evaluated: 2023-11-27. Review status: criteria provided, single submitter. Criteria: Invitae Variant Classification Sherloc (09022015). Collection method: clinical testing. Allele origin: germline.
Comment: This sequence change replaces glycine, which is neutral and non-polar, with glutamic acid, which is acidic and polar, at codon 828 of the CACNA1B protein (p.Gly828Glu). The frequency data for this variant in the population databases is considered unreliable, as metrics indicate poor data quality at this position in the gnomAD database. This variant has not been reported in the literature in individuals affected with CACNA1B-related conditions. ClinVar contains an entry for this variant (Variation ID: 1901072). An algorithm developed to predict the effect of missense changes on protein structure and function (PolyPhen-2) suggests that this variant¬†is likely to be tolerated. In summary, the available evidence is currently insufficient to determine the role of this variant in disease. Therefore, it has been classified as a Variant of Uncertain Significance.

NM_000718.4(CACNA1B):c.2483G>A (p.Gly828Glu)

Gene: CACNA1B (calcium voltage-gated channel subunit alpha1 B; plus strand). Cytogenetic location: 9q34.3.
Variant type: single nucleotide variant.
Coding change: c.2483G>A on transcript NM_000718.4 (MANE Select); coding-DNA position 2483, G replaced by A.
Protein change: p.Gly828Glu; replaces glycine 828 with glutamic acid.
Molecular consequence: missense variant.
Genome position (GRCh38, 1-based): chr9:138,023,226, G>A. VCF-style: chr9-138023226-G-A. GRCh37 (hg19) VCF-style: chr9-140917678-G-A.
Other names: c.2483G>A, p.Gly828Glu (NM_001243812.2); c.2483G>A (NM_000718.3); short protein forms G828E.
Identifiers: ClinVar variation 1901072 (VCV001901072.5), dbSNP rs1034697217, ClinGen allele CA201830257.